The following is an entry in ClinVar:

ClinVar aggregate classification (germline): Benign. Review status: criteria provided, multiple submitters, no conflicts (2 of 4 stars). 3 submissions from 3 submitters: Benign (3). Last evaluated 2026-03-01.

Conditions:
TMEM107-related disorder. Also called: TMEM107-related condition.

Allele frequency attached by ClinVar (database versions not stated): ExAC 0.00254; gnomAD exomes 0.00267; ESP Exome Variant Server 0.00070; gnomAD 0.00113 and 0.00137; 1000 Genomes Project 30x 0.00234; 1000 Genomes Project 0.00240.
gnomAD v4.1: 1,802 of 765,422 alleles (0.24%); highest among the groups gnomAD compares: South Asian, 1%; 16 homozygotes.

Submissions (3):

CeGaT Center for Human Genetics Tuebingen
Classification: Benign. Last evaluated: 2026-03-01. Review status: criteria provided, single submitter. Criteria: CeGaT Center For Human Genetics Tuebingen Variant Classification Criteria Version 2. Collection method: clinical testing. Allele origin: germline. Affected: yes. Observed: 10 variant alleles.
Comment: SNORD118: BS1, BS2; TMEM107: BS1, BS2

Labcorp Genetics (formerly Invitae), Labcorp
Classification: Benign. Last evaluated: 2026-01-17. Review status: criteria provided, single submitter. Criteria: Invitae Variant Classification Sherloc (09022015). Collection method: clinical testing. Allele origin: germline.

PreventionGenetics, part of Exact Sciences
Classification: Benign for TMEM107-related condition. Last evaluated: 2024-12-02. Review status: criteria provided, single submitter. Criteria: ACMG Guidelines, 2015. Collection method: clinical testing. Allele origin: germline.
Comment: This variant is classified as benign based on ACMG/AMP sequence variant interpretation guidelines (Richards et al. 2015 PMID: 25741868, with internal and published modifications).

NR_033294.2(SNORD118):n.52A>G

Genes: SNORD118 (small nucleolar RNA, C/D box 118; minus strand), TMEM107 (transmembrane protein 107; minus strand). Cytogenetic location: 17p13.1.
Variant type: single nucleotide variant.
Molecular consequence: non-coding transcript variant (on NR_033294.2). On other transcripts: 3 prime UTR variant (5).
Genome position: GRCh38 VCF-style: chr17-8173537-T-C. GRCh37 (hg19) VCF-style: chr17-8076855-T-C.
Other names: c.*666A>G (NM_001351278.2, NM_001351279.2, NM_001351280.2 and 3 more transcripts).
Identifiers: ClinVar variation 1165893 (VCV001165893.33), dbSNP rs146092673, ClinGen allele CA8370726.